The following is an entry in ClinVar:

ClinVar aggregate classification (germline): Likely benign. Review status: criteria provided, single submitter (1 of 4 stars). 2 submissions from 2 submitters: Likely benign (1). 1 of the submissions does not count toward it. Last evaluated 2022-06-22.

Conditions:
VPS13C-related disorder. Also called: VPS13C-related condition.

Allele frequency attached by ClinVar (database versions not stated): gnomAD 0.00004; TOPMed 0.00010; 1000 Genomes Project 0.00040; 1000 Genomes Project 30x 0.00047.
gnomAD v4.1: 41 of 1,611,644 alleles (0.0025%); highest among the groups gnomAD compares: East Asian, 0.089%; no homozygotes.

Submissions (2):

Labcorp Genetics (formerly Invitae), Labcorp
Classification: Likely benign. Last evaluated: 2022-06-22. Review status: criteria provided, single submitter. Criteria: Invitae Variant Classification Sherloc (09022015). Collection method: clinical testing. Allele origin: germline.

PreventionGenetics, part of Exact Sciences
Classification: Likely benign for VPS13C-related condition. Last evaluated: 2019-08-01. Review status: no assertion criteria provided. Collection method: clinical testing. Allele origin: germline. Not counted in ClinVar's aggregate classification.
Comment: This variant is classified as likely benign based on ACMG/AMP sequence variant interpretation guidelines (Richards et al. 2015 PMID: 25741868, with internal and published modifications).

NM_020821.3(VPS13C):c.3531G>A (p.Val1177=)

Gene: VPS13C (vacuolar protein sorting 13 homolog C; minus strand). Cytogenetic location: 15q22.2.
Variant type: single nucleotide variant.
Coding change: c.3531G>A on transcript NM_020821.3 (MANE Select); coding-DNA position 3531, G replaced by A.
Protein change: p.Val1177=; no amino-acid change (valine 1177 retained).
Molecular consequence: synonymous variant.
Genome position (GRCh38, 1-based): chr15:61,962,443, C>T on the plus strand (G>A on the coding strand, the complement: VPS13C is on the minus strand). VCF-style: chr15-61962443-C-T. GRCh37 (hg19) VCF-style: chr15-62254642-C-T.
Other names: c.3531G>A, p.Val1177= (NM_001018088.3); c.3402G>A, p.Val1134= (NM_017684.5, NM_018080.4); c.3531G>A (NM_020821.2).
Identifiers: ClinVar variation 1970850 (VCV001970850.7), dbSNP rs191357654, ClinGen allele CA7596349.